The following is an entry in ClinVar:

ClinVar aggregate classification (germline): Pathogenic (1 of 4 stars; one submission).

Conditions:
Early-infantile DEE. Also called: Early infantile epileptic encephalopathy; Early infantile epileptic encephalopathy with suppression bursts; Ohtahara syndrome. Identifiers: Orphanet 1934, MedGen C0393706, MONDO:0800491.

Submission:

Labcorp Genetics (formerly Invitae), Labcorp
Classification: Pathogenic for Early-infantile DEE. Last evaluated: 2022-11-26. Review status: criteria provided, single submitter. Criteria: Invitae Variant Classification Sherloc (09022015). Collection method: clinical testing. Allele origin: germline.
Comment: This sequence change creates a premature translational stop signal (p.Tyr1025*) in the SCN1A gene. It is expected to result in an absent or disrupted protein product. Loss-of-function variants in SCN1A are known to be pathogenic (PMID: 17347258, 18930999). This variant is not present in population databases (gnomAD no frequency). This variant has not been reported in the literature in individuals affected with SCN1A-related conditions. For these reasons, this variant has been classified as Pathogenic.

Literature cited by the submitters: PubMed 17347258; PubMed 18930999.

NM_001165963.4(SCN1A):c.3075T>A (p.Tyr1025Ter)

Gene: SCN1A (sodium voltage-gated channel alpha subunit 1; minus strand). Cytogenetic location: 2q24.3.
Variant type: single nucleotide variant.
Coding change: c.3075T>A on transcript NM_001165963.4 (MANE Select); coding-DNA position 3075, T replaced by A.
Protein change: p.Tyr1025Ter; replaces tyrosine 1025 with a stop codon.
Molecular consequence: nonsense. On other transcripts: non-coding transcript variant (1).
Genome position (GRCh38, 1-based): chr2:166,036,402, A>T on the plus strand (T>A on the coding strand, the complement: SCN1A is on the minus strand). VCF-style: chr2-166036402-A-T. GRCh37 (hg19) VCF-style: chr2-166892912-A-T.
Other names: c.3042T>A, p.Tyr1014Ter (NM_001353952.2, NM_006920.6, NM_001353949.2 and 2 more transcripts); c.3039T>A, p.Tyr1013Ter (NM_001353954.2, NM_001353955.2); c.2991T>A, p.Tyr997Ter (NM_001353957.2, NM_001353958.2, NM_001165964.3); c.2988T>A, p.Tyr996Ter (NM_001353960.2); c.633T>A, p.Tyr211Ter (NM_001353961.2); c.3075T>A, p.Tyr1025Ter (NM_001202435.3, NM_001353948.2); short protein forms Y1014*, Y997*, Y1013*, Y996*, Y1025*, Y211*.
Identifiers: ClinVar variation 2816822 (VCV002816822.3), dbSNP rs781208850, ClinGen allele CA349060114.